The following is an entry in ClinVar:

ClinVar aggregate classification (germline): Pathogenic. Review status: criteria provided, multiple submitters, no conflicts (2 of 4 stars). 2 submissions from 2 submitters: Pathogenic (2). Last evaluated 2026-04-21.

Conditions:
Pretibial dystrophic epidermolysis bullosa. Also called: EPIDERMOLYSIS BULLOSA DYSTROPHICA, PRETIBIAL; Pretibial epidermolysis bullosa; Pretibial blistering. Identifiers: Orphanet 79410, MedGen C0432321, MONDO:0007552, OMIM 131850, HP:0012221.
Dominant dystrophic epidermolysis bullosa with absence of skin. Also called: EPIDERMOLYSIS BULLOSA WITH CONGENITAL LOCALIZED ABSENCE OF SKIN AND DEFORMITY OF NAILS; EPIDERMOLYSIS BULLOSA DYSTROPHICA, BART TYPE. Identifiers: MedGen C0268371, MONDO:0007557, OMIM 132000.
Generalized dominant dystrophic epidermolysis bullosa (DDEB). Also called: Dominant DEB (DDEB); DYSTROPHIC EPIDERMOLYSIS BULLOSA, AUTOSOMAL DOMINANT; Epidermolysis bullosa dystrophica, autosomal dominant; DDEB, generalized; DDEB-gen. Identifiers: Orphanet 231568, MedGen C0432322, MONDO:0007549, OMIM 131750.
Nonsyndromic congenital nail disorder 8. Also called: TOENAIL DYSTROPHY, ISOLATED. Identifiers: MedGen C1843761, MONDO:0011852, OMIM 607523.
Epidermolysis bullosa pruriginosa. Also called: DEB, PRURIGINOSA; DYSTROPHIC EPIDERMOLYSIS BULLOSA PRURIGINOSA. Identifiers: Orphanet 89843, MedGen C1275114, MONDO:0011398, OMIM 604129.
Transient bullous dermolysis of the newborn (TBDN). Also called: EPIDERMOLYSIS BULLOSA DYSTROPHICA, NEONATAL FORM; DYSTROPHIC EPIDERMOLYSIS BULLOSA, NEONATAL. Identifiers: Orphanet 79411, MedGen C1851573, MONDO:0007548, OMIM 131705.
Recessive dystrophic epidermolysis bullosa (RDEB). Also called: Recessive DEB (RDEB); Epidermolysis Bullosa Distrophica Autosomal Recessive (RDEB); Hallopeau-Siemens Disease; severe generalized recessive dystrophic epidermolysis bullosa; epidermolysis bullosa dystrophica, autosomal recessive; DYSTROPHIC EPIDERMOLYSIS BULLOSA, AUTOSOMAL RECESSIVE. Identifiers: Orphanet 79408, Orphanet 79409, MedGen C0079474, MONDO:0009179, OMIM 226600.

Submissions (2):

Myriad Genetics, Inc.
Classification: Pathogenic for Recessive dystrophic epidermolysis bullosa. Last evaluated: 2026-04-21. Review status: criteria provided, single submitter. Criteria: Myriad Autosomal Dominant, Autosomal Recessive and X-Linked Classification Criteria (2023). Collection method: clinical testing. Allele origin: unknown.
Comment: NM_000094.3(COL7A1):c.1006_1007delCA(Q336Efs*48) is expected to be pathogenic in the context of dystrophic epidermolysis bullosa. This variant is predicted to lead to an abnormal or absent protein product due to the creation of a premature termination codon in COL7A1, a gene where loss-of-function variants are known to be pathogenic. Please note: this variant was assessed in the context of healthy population screening.

Juno Genomics, Hangzhou Juno Genomics, Inc
Classification: Pathogenic for Transient bullous dermolysis of the newborn; Recessive dystrophic epidermolysis bullosa; Generalized dominant dystrophic epidermolysis bullosa; Dominant dystrophic epidermolysis bullosa with absence of skin; Nonsyndromic congenital nail disorder 8; Epidermolysis bullosa pruriginosa; Pretibial dystrophic epidermolysis bullosa. Review status: criteria provided, single submitter. Criteria: ACMG Guidelines, 2015. Collection method: clinical testing. Allele origin: germline.
Comment: Absent from controls (or at extremely low frequency if recessive) in Genome Aggregation Database.;Null variant in a gene where loss of function (LOF) is a known mechanism of disease.;For recessive disorders, detected in trans with a pathogenic variant.;Co-segregation with disease in multiple affected family members.;Patient's phenotype or family history is highly specific for a disease with a single genetic etiology.

NM_000094.4(COL7A1):c.1006_1007del (p.Gln336fs)

Gene: COL7A1 (collagen type VII alpha 1 chain; minus strand). Cytogenetic location: 3p21.31.
Variant type: Deletion.
Coding change: c.1006_1007del on transcript NM_000094.4 (MANE Select); coding-DNA positions 1006 to 1007, 2 bases deleted (CA; older notation c.1006_1007delCA).
Protein change: p.Gln336fs; shifts the reading frame from glutamine 336.
Molecular consequence: frameshift variant.
Genome position (GRCh38, 1-based): chr3:48,592,437-48,592,438, TG deleted on the plus strand (CA on the coding strand, the reverse complement: COL7A1 is on the minus strand). VCF-style (leftmost placement, unchanged base first): chr3-48592436-CTG-C. GRCh37 (hg19) VCF-style: chr3-48629869-CTG-C.
Other names: short protein forms Q336fs.
Identifiers: ClinVar variation 5006636 (VCV005006636.3).
Genomic context (GRCh38, chr3:48,592,436, plus strand): 5'-GTAGCCAGTGGCACCTGGCACACTCCGCCAGGCCACCAGGAGGCTGTGGGCTGTGGTATT[CTG>C]GATGGTCAGTTCCGGCCCTTCTAGGGCAGCTGGGGGAGAGTCCCACCAGGGATTCATGGA-3'